The following is an entry in ClinVar:

ClinVar aggregate classification (germline): Uncertain significance (1 of 4 stars; one submission).

Submission:

Labcorp Genetics (formerly Invitae), Labcorp
Classification: Uncertain significance. Last evaluated: 2020-03-16. Review status: criteria provided, single submitter. Criteria: Invitae Variant Classification Sherloc (09022015). Collection method: clinical testing. Allele origin: germline.
Comment: In summary, the available evidence is currently insufficient to determine the role of this variant in disease. Therefore, it has been classified as a Variant of Uncertain Significance. Experimental studies and prediction algorithms are not available or were not evaluated, and the functional significance of this variant is currently unknown. This variant has not been reported in the literature in individuals with CA4-related conditions. This variant is not present in population databases (ExAC no frequency). This variant, c.913_924del, results in the deletion of 4 amino acid(s) of the CA4 protein (p.Cys305_Ala308del), but otherwise preserves the integrity of the reading frame.

NM_000717.5(CA4):c.913_924del (p.Cys305_Ala308del)

Gene: CA4 (carbonic anhydrase 4; plus strand). Cytogenetic location: 17q23.1.
Variant type: Deletion.
Coding change: c.913_924del on transcript NM_000717.5 (MANE Select); coding-DNA positions 913 to 924, 12 bases deleted (TGCCTGCTGGCC).
Protein change: p.Cys305_Ala308del.
Molecular consequence: inframe deletion. On other transcripts: non-coding transcript variant (1).
Genome position (GRCh38, 1-based): chr17:60,159,398-60,159,409, TGCCTGCTGGCC deleted; deleting any 12 consecutive bases within chr17:60,159,390-60,159,409 gives the same sequence; the c. name uses the placement nearest the transcript's 3' end. VCF-style (leftmost placement, unchanged base first): chr17-60159389-ATGCTGGCCTGCC-A. GRCh37 (hg19) VCF-style: chr17-58236750-ATGCTGGCCTGCC-A.
Identifiers: ClinVar variation 1025831 (VCV001025831.8), dbSNP rs1470667590, ClinGen allele CA773655931.
Genomic context (GRCh38, chr17:60,159,389, plus strand): 5'-ATAAAGTCCGGGGCCCCGGGTCGGCCGCTGCCCTGGGCCCTGCCTGCCCTGCTGGGCCCC[ATGCTGGCCTGCC>A]TGCTGGCCGGCTTCCTGCGATGATGGCTCACTTCTGCACGCAGCCTCTCTGTTGCCTCAG-3'